The following is an entry in ClinVar:

ClinVar aggregate classification (germline): Uncertain significance (1 of 4 stars; one submission).

Conditions:
Inborn genetic diseases. Identifiers: MedGen C0950123, MeSH D030342.

gnomAD v4.1: 5 of 1,607,686 alleles (0.00031%); highest among the groups gnomAD compares: Middle Eastern, 0.033%; no homozygotes.

Submission:

Ambry Genetics
Classification: Uncertain significance for Inborn genetic diseases. Last evaluated: 2024-10-11. Review status: criteria provided, single submitter. Criteria: Ambry Variant Classification Scheme 2023. Collection method: clinical testing. Allele origin: germline.
Comment: The p.R2477L variant (also known as c.7430G>T), located in coding exon 50 of the LRRK2 gene, results from a G to T substitution at nucleotide position 7430. The arginine at codon 2477 is replaced by leucine, an amino acid with dissimilar properties. This amino acid position is conserved. In addition, this alteration is predicted to be tolerated by in silico analysis. Since supporting evidence is limited at this time, the clinical significance of this alteration remains unclear.

NM_198578.4(LRRK2):c.7430G>T (p.Arg2477Leu)

Gene: LRRK2 (leucine rich repeat kinase 2; plus strand). Cytogenetic location: 12q12.
Variant type: single nucleotide variant.
Coding change: c.7430G>T on transcript NM_198578.4 (MANE Select); coding-DNA position 7430, G replaced by T.
Protein change: p.Arg2477Leu; replaces arginine 2477 with leucine.
Molecular consequence: missense variant.
Genome position (GRCh38, 1-based): chr12:40,367,045, G>T. VCF-style: chr12-40367045-G-T. GRCh37 (hg19) VCF-style: chr12-40760847-G-T.
Other names: short protein forms R2477L.
Identifiers: ClinVar variation 1758884 (VCV001758884.3), dbSNP rs146428335, ClinGen allele CA6514941.
Genomic context (GRCh38, chr12:40,367,045, plus strand): 5'-ACATATTTTGTTTTTGTAAAGGAAGCCTTAAAAATGTCATGCTGGTATTGGGCTACAACC[G>T]GAAAAATACTGAAGGTACACAAAAGCAGAAAGGTAACATTTAGAAGGATACTGTTTTCCA-3'
Protein context (NP_940980.4, residues 2467-2487): KNVMLVLGYN[Arg2477Leu]KNTEGTQKQK